The following is an entry in ClinVar:

NM_000321.3(RB1):c.140T>G (p.Leu47Arg)

Gene: RB1 (RB transcriptional corepressor 1; plus strand). Cytogenetic location: 13q14.2.
Variant type: single nucleotide variant.
Coding change: c.140T>G on transcript NM_000321.3 (MANE Select); coding-DNA position 140, T replaced by G.
Protein change: p.Leu47Arg; replaces leucine 47 with arginine.
Molecular consequence: missense variant.
Genome position (GRCh38, 1-based): chr13:48,307,282, T>G. VCF-style: chr13-48307282-T-G. GRCh37 (hg19) VCF-style: chr13-48881418-T-G.
Other names: c.140T>G (NM_000321.2); short protein forms L47R.
Identifiers: ClinVar variation 1489741 (VCV001489741.7), dbSNP rs2138033812, ClinGen allele CA388250426.

ClinVar aggregate classification (germline): Uncertain significance. Review status: criteria provided, multiple submitters, no conflicts (2 of 4 stars). 2 submissions from 2 submitters: Uncertain significance (2). Last evaluated 2024-07-25.

Conditions:
Hereditary cancer-predisposing syndrome. Also called: Tumor predisposition; Hereditary neoplastic syndrome; Neoplastic Syndromes, Hereditary; Hereditary Cancer Syndrome. Identifiers: Orphanet 140162, MedGen C0027672, MeSH D009386, MONDO:0015356.
Retinoblastoma (RB1). Also called: RETINOBLASTOMA, SOMATIC. Identifiers: Orphanet 790, MedGen C0035335, MeSH D012175, MONDO:0008380, OMIM 180200, HP:0009919. Disease mechanism: loss of function. Inheritance: Both sporadic and heritable forms are tested..

Submissions (2):

Ambry Genetics
Classification: Uncertain significance for Hereditary cancer-predisposing syndrome. Last evaluated: 2024-07-25. Review status: criteria provided, single submitter. Criteria: Ambry Variant Classification Scheme 2023. Collection method: clinical testing. Allele origin: germline.
Comment: The p.L47R variant (also known as c.140T>G), located in coding exon 2 of the RB1 gene, results from a T to G substitution at nucleotide position 140. The leucine at codon 47 is replaced by arginine, an amino acid with dissimilar properties. This amino acid position is highly conserved in available vertebrate species. In addition, the in silico prediction for this alteration is inconclusive. Based on the available evidence, the clinical significance of this variant remains unclear.

Labcorp Genetics (formerly Invitae), Labcorp
Classification: Uncertain significance for Retinoblastoma. Last evaluated: 2022-12-03. Review status: criteria provided, single submitter. Criteria: Invitae Variant Classification Sherloc (09022015). Collection method: clinical testing. Allele origin: germline.
Comment: In summary, the available evidence is currently insufficient to determine the role of this variant in disease. Therefore, it has been classified as a Variant of Uncertain Significance. Algorithms developed to predict the effect of missense changes on protein structure and function are either unavailable or do not agree on the potential impact of this missense change (SIFT: "Tolerated"; PolyPhen-2: "Possibly Damaging"; Align-GVGD: "Class C0"). ClinVar contains an entry for this variant (Variation ID: 1489741). This variant has not been reported in the literature in individuals affected with RB1-related conditions. This variant is not present in population databases (gnomAD no frequency). This sequence change replaces leucine, which is neutral and non-polar, with arginine, which is basic and polar, at codon 47 of the RB1 protein (p.Leu47Arg).